The following is an entry in ClinVar:

ClinVar aggregate classification (germline): Uncertain significance. Review status: criteria provided, multiple submitters, no conflicts (2 of 4 stars). 2 submissions from 2 submitters: Uncertain significance (2). Last evaluated 2026-01-18.

Conditions:
TNF receptor-associated periodic fever syndrome (TRAPS) (FPF). Also called: Autosomal Dominant Familial Periodic Fever; TNF receptor 1-associated periodic fever syndrome; FAMILIAL HIBERNIAN FEVER; TNF RECEPTOR-ASSOCIATED PERIODIC SYNDROME; TUMOR NECROSIS FACTOR RECEPTOR-ASSOCIATED PERIODIC SYNDROME; TNF Receptor-Associated Periodic Fever Syndrome. Identifiers: Orphanet 32960, MedGen C1275126, MONDO:0007727, OMIM 142680.

Submissions (2):

Labcorp Genetics (formerly Invitae), Labcorp
Classification: Uncertain significance for TNF receptor-associated periodic fever syndrome (TRAPS). Last evaluated: 2026-01-18. Review status: criteria provided, single submitter. Criteria: Invitae Variant Classification Sherloc (09022015). Collection method: clinical testing. Allele origin: germline.
Comment: This sequence change replaces alanine, which is neutral and non-polar, with glutamic acid, which is acidic and polar, at codon 405 of the TNFRSF1A protein (p.Ala405Glu). This variant is not present in population databases (gnomAD no frequency). This variant has not been reported in the literature in individuals affected with TNFRSF1A-related conditions. ClinVar contains an entry for this variant (Variation ID: 3684116). An algorithm developed to predict the effect of missense changes on protein structure and function outputs the following: PolyPhen-2: "Benign". The glutamic acid amino acid residue is found in multiple mammalian species, which suggests that this missense change does not adversely affect protein function. In summary, the available evidence is currently insufficient to determine the role of this variant in disease. Therefore, it has been classified as a Variant of Uncertain Significance.

Blueprint Genetics
Classification: Uncertain significance. Last evaluated: 2023-07-26. Review status: criteria provided, single submitter. Criteria: ACMG Guidelines, 2015. Collection method: clinical testing. Allele origin: germline.

NM_001065.4(TNFRSF1A):c.1214C>A (p.Ala405Glu)

Gene: TNFRSF1A (TNF receptor superfamily member 1A; minus strand). Cytogenetic location: 12p13.31.
Variant type: single nucleotide variant.
Coding change: c.1214C>A on transcript NM_001065.4 (MANE Select); coding-DNA position 1214, C replaced by A.
Protein change: p.Ala405Glu; replaces alanine 405 with glutamic acid.
Molecular consequence: missense variant. On other transcripts: non-coding transcript variant (1).
Genome position (GRCh38, 1-based): chr12:6,329,466, G>T on the plus strand (C>A on the coding strand, the complement: TNFRSF1A is on the minus strand). VCF-style: chr12-6329466-G-T. GRCh37 (hg19) VCF-style: chr12-6438632-G-T.
Other names: c.890C>A, p.Ala297Glu (NM_001346091.2); c.755C>A, p.Ala252Glu (NM_001346092.2); short protein forms A405E, A252E, A297E.
Identifiers: ClinVar variation 3684116 (VCV003684116.3).